The following is an entry in ClinVar:

ClinVar aggregate classification (germline): Conflicting classifications of pathogenicity. Review status: criteria provided, conflicting classifications (1 of 4 stars). 2 submissions from 2 submitters: Uncertain significance (1); Likely benign (1). Last evaluated 2024-12-20.

Conditions:
Hereditary nonpolyposis colorectal neoplasms. Identifiers: MedGen C0009405, MeSH D003123.
Hereditary cancer-predisposing syndrome. Also called: Hereditary Cancer Syndrome; Tumor predisposition; Hereditary neoplastic syndrome; Neoplastic Syndromes, Hereditary. Identifiers: Orphanet 140162, MedGen C0027672, MeSH D009386, MONDO:0015356.

Submissions (2):

Ambry Genetics
Classification: Likely benign for Hereditary cancer-predisposing syndrome. Last evaluated: 2024-12-20. Review status: criteria provided, single submitter. Criteria: Ambry Variant Classification Scheme 2023. Collection method: clinical testing. Allele origin: germline.

Labcorp Genetics (formerly Invitae), Labcorp
Classification: Uncertain significance for Hereditary nonpolyposis colorectal neoplasms. Last evaluated: 2023-01-19. Review status: criteria provided, single submitter. Criteria: Invitae Variant Classification Sherloc (09022015). Collection method: clinical testing. Allele origin: germline.
Comment: In summary, the available evidence is currently insufficient to determine the role of this variant in disease. Therefore, it has been classified as a Variant of Uncertain Significance. Advanced modeling of protein sequence and biophysical properties (such as structural, functional, and spatial information, amino acid conservation, physicochemical variation, residue mobility, and thermodynamic stability) performed at Invitae indicates that this missense variant is not expected to disrupt MSH6 protein function. ClinVar contains an entry for this variant (Variation ID: 644777). This variant has not been reported in the literature in individuals affected with MSH6-related conditions. This variant is not present in population databases (gnomAD no frequency). This sequence change replaces valine, which is neutral and non-polar, with isoleucine, which is neutral and non-polar, at codon 129 of the MSH6 protein (p.Val129Ile).

NM_000179.3(MSH6):c.385G>A (p.Val129Ile)

Gene: MSH6 (mutS homolog 6; plus strand). Cytogenetic location: 2p16.3.
Variant type: single nucleotide variant.
Coding change: c.385G>A on transcript NM_000179.3 (MANE Select); coding-DNA position 385, G replaced by A.
Protein change: p.Val129Ile; replaces valine 129 with isoleucine.
Molecular consequence: missense variant. On other transcripts: 5 prime UTR variant (2), intron variant (1).
Genome position (GRCh38, 1-based): chr2:47,791,051, G>A. VCF-style: chr2-47791051-G-A. GRCh37 (hg19) VCF-style: chr2-48018190-G-A.
Other names: c.-352G>A (NM_001281493.2); c.-518G>A (NM_001281494.2); c.238-7560G>A (NM_001281492.2); short protein forms V129I.
Identifiers: ClinVar variation 644777 (VCV000644777.10), dbSNP rs1572708884, ClinGen allele CA346737054.